The following is an entry in ClinVar:

NM_030625.3(TET1):c.5235G>A (p.Thr1745=)

Gene: TET1 (tet methylcytosine dioxygenase 1; plus strand). Cytogenetic location: 10q21.3.
Variant type: single nucleotide variant.
Coding change: c.5235G>A on transcript NM_030625.3 (MANE Select); coding-DNA position 5235, G replaced by A.
Protein change: p.Thr1745=; no amino-acid change (threonine 1745 retained).
Molecular consequence: synonymous variant.
Genome position (GRCh38, 1-based): chr10:68,686,538, G>A. VCF-style: chr10-68686538-G-A. GRCh37 (hg19) VCF-style: chr10-70446295-G-A.
Identifiers: ClinVar variation 789203 (VCV000789203.28), dbSNP rs111357606, ClinGen allele CA5526821.

ClinVar aggregate classification (germline): Benign/Likely benign. Review status: criteria provided, multiple submitters, no conflicts (2 of 4 stars). 3 submissions from 3 submitters: Benign (2); Likely benign (1). Last evaluated 2022-08-01.

Allele frequency attached by ClinVar (database versions not stated): gnomAD exomes 0.00314 and 0.00210; 1000 Genomes Project 30x 0.00031; 1000 Genomes Project 0.00040; TOPMed 0.00178; gnomAD 0.00187 and 0.00195; ExAC 0.00230; ESP Exome Variant Server 0.00261.
gnomAD v4.1: 4,788 of 1,614,130 alleles (0.3%); highest among the groups gnomAD compares: Non-Finnish European, 0.38%; 10 homozygotes.

Submissions (3):

CeGaT Center for Human Genetics Tuebingen
Classification: Likely benign. Last evaluated: 2022-08-01. Review status: criteria provided, single submitter. Criteria: CeGaT Center For Human Genetics Tuebingen Variant Classification Criteria Version 2. Collection method: clinical testing. Allele origin: germline. Affected: yes. Observed: 1 variant allele.
Comment: TET1: BP4, BP7

Labcorp Genetics (formerly Invitae), Labcorp
Classification: Benign. Last evaluated: 2018-06-26. Review status: criteria provided, single submitter. Criteria: Invitae Variant Classification Sherloc (09022015). Collection method: clinical testing. Allele origin: germline.

Breakthrough Genomics
Classification: Benign. Review status: criteria provided, single submitter. Criteria: ACMG Guidelines, 2015. Collection method: not provided. Allele origin: germline. Inheritance: Unknown mechanism. Affected: yes.